The following is an entry in ClinVar:

ClinVar aggregate classification (germline): Pathogenic (1 of 4 stars; one submission).

Conditions:
Hypertrophic cardiomyopathy 1 (CMH1). Also called: Familial hypertrophic cardiomyopathy 1; MYH7-Related Familial Hypertrophic Cardiomyopathy. Identifiers: MedGen C3495498, MONDO:0008647, OMIM 192600.

Submission:

Agnes Ginges Centre for Molecular Cardiology, Centenary Institute
Classification: Pathogenic for Hypertrophic cardiomyopathy 1. Last evaluated: 2015-04-21. Review status: criteria provided, single submitter. Criteria: Agnes Ginges Centre for Molecular Cardiology criteria (2015). Collection method: research. Allele origin: germline. Inheritance: Autosomal dominant inheritance. Affected: yes.
Comment: This MYBPC3 Lys1065fs variant results from a single bp insertion, which is predicted to cause a frameshift at codon 1065 and premature stop codon 12 amino acids downstream. This alteration is predicted to lead to a truncated or absent protein. This variant is absent from population datasets including the 1000 genomes project and the Exome Aggregation Consortium dataset. MYBPC3 Lys1065fs has been identified in multiple unrelated HCM cases (see references). Based on the absence of this variant in the general population, observations of the variant in multiple unrelated HCM patients reported in the literature, and that loss-of-function variants in MYBPC3 are an established mechanism of disease in HCM, we classify MYBPC3 Lys1065fs as "pathogenic".

Literature cited by the submitters: PubMed 16858239; PubMed 20359594; PubMed 21835320; PubMed 23674513; PubMed 20031618; PubMed 21302287; PubMed 20173211.

NM_002471.4(MYH6):c.3193dup (p.Gln1065fs)

Gene: MYH6 (myosin heavy chain 6; minus strand). Cytogenetic location: 14q11.2.
Variant type: Duplication.
Coding change: c.3193dup on transcript NM_002471.4 (MANE Select); coding-DNA position 3193, one base duplicated (C; older notation c.3193dupC).
Protein change: p.Gln1065fs; shifts the reading frame from glutamine 1065.
Molecular consequence: frameshift variant.
Genome position (GRCh38, 1-based): chr14:23,392,970, G duplicated on the plus strand (C on the coding strand, the reverse complement: MYH6 is on the minus strand); the first of 3 consecutive G bases (chr14:23,392,970-23,392,972); duplicating any one gives the same sequence. VCF-style (leftmost placement, unchanged base first): chr14-23392969-T-TG. GRCh37 (hg19) VCF-style: chr14-23862178-T-TG.
Other names: c.3192dupC (NM_002471.3); short protein forms Q1065fs.
Identifiers: ClinVar variation 217832 (VCV000217832.2), dbSNP rs863225269, ClinGen allele CA279617.